The following is an entry in ClinVar:

NM_004168.4(SDHA):c.1256_1260+1del

Gene: SDHA (succinate dehydrogenase complex flavoprotein subunit A; plus strand). Cytogenetic location: 5p15.33.
Variant type: Deletion.
Coding change: c.1256_1260+1del on transcript NM_004168.4 (MANE Select); coding-DNA position 1256 through the canonical splice donor site of the intron after coding-DNA position 1260, 6 bases deleted (GGCAGG; older notation c.1256_1260+1delGGCAGG).
Molecular consequence: splice donor variant.
Genome position (GRCh38, 1-based): chr5:235,335-235,340, GGCAGG deleted; deleting any 6 consecutive bases within chr5:235,332-235,340 gives the same sequence; the c. name uses the placement nearest the transcript's 3' end. VCF-style (leftmost placement, unchanged base first): chr5-235331-AAGGGGC-A. GRCh37 (hg19) VCF-style: chr5-235446-AAGGGGC-A.
Other names: c.1256_1260+1del (NM_001330758.2); c.1112_1116+1del (NM_001294332.2).
Identifiers: ClinVar variation 4161207 (VCV004161207.1).
Genomic context (GRCh38, chr5:235,331, plus strand): 5'-GAGCCGATCCCTGTCCTCCCCACCGTGCATTATAACATGGGCGGCATTCCCACCAACTAC[AAGGGGC>A]AGGTGATGGTGCTGGCTCCTCCCCCACAGCTGGAAAGAAGGCTGGGACGACGGGGCCCAC-3'

ClinVar aggregate classification (germline): Uncertain significance (1 of 4 stars; one submission).

Conditions:
Hereditary cancer-predisposing syndrome. Also called: Neoplastic Syndromes, Hereditary; Tumor predisposition; Hereditary Cancer Syndrome; Hereditary neoplastic syndrome. Identifiers: Orphanet 140162, MedGen C0027672, MeSH D009386, MONDO:0015356.

Submission:

Ambry Genetics
Classification: Uncertain significance for Hereditary cancer-predisposing syndrome. Last evaluated: 2025-09-06. Review status: criteria provided, single submitter. Criteria: Ambry Variant Classification Scheme 2023. Collection method: clinical testing. Allele origin: germline.
Comment: The c.1256_1260+1delGGCAGG variant results from a deletion of 6 nucleotides between positions c.1256 and c.1260+1 and involves the canonical splice donor site after coding exon 9 of the SDHA gene. Alterations that disrupt the canonical splice site are expected to result in aberrant splicing. In silico splice site analysis predicts that this alteration may weaken the native splice donor site and will result in the creation or strengthening of a novel splice donor site. A resulting transcript is predicted to be in-frame and is not expected to trigger nonsense-mediated mRNAdecay; although, direct evidence is unavailable. The canonical splice donor site is highly conserved in available vertebrate species. Based on the available evidence, the clinical significance of this variant remains unclear.